The following is an entry in ClinVar:

NM_001093.4(ACACB):c.19C>T (p.Leu7=)

Gene: ACACB (acetyl-CoA carboxylase beta; plus strand). Cytogenetic location: 12q24.11.
Variant type: single nucleotide variant.
Coding change: c.19C>T on transcript NM_001093.4 (MANE Select); coding-DNA position 19, C replaced by T.
Protein change: p.Leu7=; no amino-acid change (leucine 7 retained).
Molecular consequence: synonymous variant.
Genome position (GRCh38, 1-based): chr12:109,139,424, C>T. VCF-style: chr12-109139424-C-T. GRCh37 (hg19) VCF-style: chr12-109577229-C-T.
Identifiers: ClinVar variation 768579 (VCV000768579.7), dbSNP rs79484712, ClinGen allele CA6772857.

ClinVar aggregate classification (germline): Benign. Review status: criteria provided, multiple submitters, no conflicts (2 of 4 stars). 3 submissions from 3 submitters: Benign (2). 1 of the submissions does not count toward it. Last evaluated 2019-12-31.

Conditions:
ACACB-related disorder. Also called: ACACB-related condition.

Allele frequency attached by ClinVar (database versions not stated): gnomAD exomes 0.00102 and 0.00223; ExAC 0.00274; gnomAD 0.00866 and 0.00927; TOPMed 0.00975; 1000 Genomes Project 30x 0.00999; ESP Exome Variant Server 0.01000; 1000 Genomes Project 0.01058.

Submissions (3):

Labcorp Genetics (formerly Invitae), Labcorp
Classification: Benign. Last evaluated: 2019-12-31. Review status: criteria provided, single submitter. Criteria: Invitae Variant Classification Sherloc (09022015). Collection method: clinical testing. Allele origin: germline.

Breakthrough Genomics
Classification: Benign. Review status: criteria provided, single submitter. Criteria: ACMG Guidelines, 2015. Collection method: not provided. Allele origin: germline. Inheritance: Unknown mechanism. Affected: yes.

PreventionGenetics, part of Exact Sciences
Classification: Benign for ACACB-related condition. Last evaluated: 2020-02-18. Review status: no assertion criteria provided. Collection method: clinical testing. Allele origin: germline. Not counted in ClinVar's aggregate classification.
Comment: This variant is classified as benign based on ACMG/AMP sequence variant interpretation guidelines (Richards et al. 2015 PMID: 25741868, with internal and published modifications).